The following is an entry in ClinVar:

NM_002661.5(PLCG2):c.403A>G (p.Asn135Asp)

Gene: PLCG2 (phospholipase C gamma 2; plus strand). Cytogenetic location: 16q23.3.
Variant type: single nucleotide variant.
Coding change: c.403A>G on transcript NM_002661.5 (MANE Select); coding-DNA position 403, A replaced by G.
Protein change: p.Asn135Asp; replaces asparagine 135 with aspartic acid.
Molecular consequence: missense variant.
Genome position (GRCh38, 1-based): chr16:81,858,328, A>G. VCF-style: chr16-81858328-A-G. GRCh37 (hg19) VCF-style: chr16-81891933-A-G.
Other names: c.403A>G, p.Asn135Asp (NM_001425749.1, NM_001425750.1, NM_001425751.1); short protein forms N135D.
Identifiers: ClinVar variation 2802062 (VCV002802062.3), dbSNP rs937630857, ClinGen allele CA396901618.

ClinVar aggregate classification (germline): Uncertain significance (1 of 4 stars; one submission).

Conditions:
Familial cold autoinflammatory syndrome 3 (FCAS3). Also called: FAMILIAL ATYPICAL COLD URTICARIA; ANTIBODY DEFICIENCY AND IMMUNE DYSREGULATION, PLCG2-ASSOCIATED. Identifiers: Orphanet 300359, MedGen C3280914, MONDO:0013766, OMIM 614468.

Submission:

Labcorp Genetics (formerly Invitae), Labcorp
Classification: Uncertain significance for Familial cold autoinflammatory syndrome 3. Last evaluated: 2024-02-28. Review status: criteria provided, single submitter. Criteria: Invitae Variant Classification Sherloc (09022015). Collection method: clinical testing. Allele origin: germline.
Comment: This sequence change replaces asparagine, which is neutral and polar, with aspartic acid, which is acidic and polar, at codon 135 of the PLCG2 protein (p.Asn135Asp). This variant is not present in population databases (gnomAD no frequency). This variant has not been reported in the literature in individuals affected with PLCG2-related conditions. An algorithm developed to predict the effect of missense changes on protein structure and function (PolyPhen-2) suggests that this variant is likely to be tolerated. In summary, the available evidence is currently insufficient to determine the role of this variant in disease. Therefore, it has been classified as a Variant of Uncertain Significance.